The following is an entry in ClinVar:

ClinVar aggregate classification (germline): Uncertain significance (1 of 4 stars; one submission).

Allele frequency attached by ClinVar (database versions not stated): gnomAD exomes below 0.00001; gnomAD 0.00001; TOPMed 0.00001.
gnomAD v4.1: 8 of 1,612,398 alleles (0.0005%); highest among the groups gnomAD compares: Middle Eastern, 0.066%; no homozygotes.

Submission:

Labcorp Genetics (formerly Invitae), Labcorp
Classification: Uncertain significance. Last evaluated: 2022-11-15. Review status: criteria provided, single submitter. Criteria: Invitae Variant Classification Sherloc (09022015). Collection method: clinical testing. Allele origin: germline.
Comment: ClinVar contains an entry for this variant (Variation ID: 1467689). In summary, the available evidence is currently insufficient to determine the role of this variant in disease. Therefore, it has been classified as a Variant of Uncertain Significance. Experimental studies and prediction algorithms are not available or were not evaluated, and the functional significance of this variant is currently unknown. This variant has not been reported in the literature in individuals affected with KIZ-related conditions. This variant is present in population databases (no rsID available, gnomAD no frequency). This sequence change replaces aspartic acid, which is acidic and polar, with glycine, which is neutral and non-polar, at codon 516 of the KIZ protein (p.Asp516Gly).

NM_018474.6(KIZ):c.1547A>G (p.Asp516Gly)

Genes: KIZ (kizuna centrosomal protein; plus strand), KIZ-AS1 (KIZ antisense RNA 1; minus strand). Cytogenetic location: 20p11.23.
Variant type: single nucleotide variant.
Coding change: c.1547A>G on transcript NM_018474.6 (MANE Select); coding-DNA position 1547, A replaced by G.
Protein change: p.Asp516Gly; replaces aspartic acid 516 with glycine.
Molecular consequence: missense variant.
Genome position (GRCh38, 1-based): chr20:21,214,635, A>G. VCF-style: chr20-21214635-A-G. GRCh37 (hg19) VCF-style: chr20-21195273-A-G.
Other names: c.1238A>G, p.Asp413Gly (NM_001163022.3); c.1148A>G, p.Asp383Gly (NM_001163023.3); c.1400A>G, p.Asp467Gly (NM_001276389.2); c.1493A>G, p.Asp498Gly (NM_001352434.2); c.1184A>G, p.Asp395Gly (NM_001352435.2); c.1205A>G, p.Asp402Gly (NM_001352436.2); short protein forms D383G, D395G, D467G, D402G, D413G, D498G, D516G.
Identifiers: ClinVar variation 1467689 (VCV001467689.4), dbSNP rs867331322, ClinGen allele CA312985360.